The following is an entry in ClinVar:

ClinVar aggregate classification (germline): Benign/Likely benign. Review status: criteria provided, multiple submitters, no conflicts (2 of 4 stars). 5 submissions from 5 submitters: Benign (2); Likely benign (3). Last evaluated 2026-02-03.

Conditions:
Familial encephalopathy with neuroserpin inclusion bodies. Also called: ENCEPHALOPATHY, FAMILIAL, WITH COLLINS BODIES. Identifiers: Orphanet 85110, MedGen C1858680, MONDO:0011412, OMIM 604218.

Allele frequency attached by ClinVar (database versions not stated): TOPMed 0.00358; 1000 Genomes Project 30x 0.00390; gnomAD exomes 0.00042 and 0.00102; ExAC 0.00095; ESP Exome Variant Server 0.00284; gnomAD 0.00293 and 0.00308; 1000 Genomes Project 0.00339.
gnomAD v4.1: 1,124 of 1,613,672 alleles (0.07%); highest among the groups gnomAD compares: African/African-American, 0.87%; 7 homozygotes.

Submissions (5):

Labcorp Genetics (formerly Invitae), Labcorp
Classification: Benign for Familial encephalopathy with neuroserpin inclusion bodies. Last evaluated: 2026-02-03. Review status: criteria provided, single submitter. Criteria: Invitae Variant Classification Sherloc (09022015). Collection method: clinical testing. Allele origin: germline.

Blueprint Genetics
Classification: Likely benign. Last evaluated: 2024-11-20. Review status: criteria provided, single submitter. Criteria: ACMG Guidelines, 2015. Collection method: clinical testing. Allele origin: germline.

Illumina Laboratory Services, Illumina
Classification: Benign for Familial encephalopathy with neuroserpin inclusion bodies. Last evaluated: 2018-01-13. Review status: criteria provided, single submitter. Criteria: ICSL Variant Classification Criteria 13 December 2019. Collection method: clinical testing. Allele origin: germline.
Comment: This variant was observed in the ICSL laboratory as part of a predisposition screen in an ostensibly healthy population. It had not been previously curated by ICSL or reported in the Human Gene Mutation Database (HGMD: prior to June 1st, 2018), and was therefore a candidate for classification through an automated scoring system. Utilizing variant allele frequency, disease prevalence and penetrance estimates, and inheritance mode, an automated score was calculated to assess if this variant is too frequent to cause the disease. Based on the score and internal cut-off values, a variant classified as benign is not then subjected to further curation. The score for this variant resulted in a classification of benign for this disease.

Center for Pediatric Genomic Medicine, Children's Mercy Hospital and Clinics
Classification: Likely benign. Last evaluated: 2017-08-22. Review status: criteria provided, single submitter. Criteria: ACMG Guidelines, 2015. Collection method: clinical testing. Allele origin: germline.

Breakthrough Genomics
Classification: Likely benign. Review status: criteria provided, single submitter. Criteria: ACMG Guidelines, 2015. Collection method: not provided. Allele origin: germline. Inheritance: Autosomal dominant inheritance. Affected: yes.

NM_001122752.2(SERPINI1):c.518A>G (p.Asp173Gly)

Gene: SERPINI1 (serpin family I member 1; plus strand). Cytogenetic location: 3q26.1.
Variant type: single nucleotide variant.
Coding change: c.518A>G on transcript NM_001122752.2 (MANE Select); coding-DNA position 518, A replaced by G.
Protein change: p.Asp173Gly; replaces aspartic acid 173 with glycine.
Molecular consequence: missense variant.
Genome position (GRCh38, 1-based): chr3:167,792,626, A>G. VCF-style: chr3-167792626-A-G. GRCh37 (hg19) VCF-style: chr3-167510414-A-G.
Other names: c.518A>G, p.Asp173Gly (NM_005025.5); short protein forms D173G.
Identifiers: ClinVar variation 344129 (VCV000344129.18), dbSNP rs61735309, ClinGen allele CA2694830.